The following is an entry in ClinVar:

ClinVar aggregate classification (germline): Uncertain significance (0 of 4 stars; one submission).

Conditions:
OTOGL-related disorder. Also called: OTOGL-related condition.

gnomAD v4.1: 1 of 1,610,004 alleles (0.000062%); no homozygotes.

Submission:

PreventionGenetics, part of Exact Sciences
Classification: Uncertain significance for OTOGL-related condition. Last evaluated: 2024-01-22. Review status: no assertion criteria provided. Collection method: clinical testing. Allele origin: germline.
Comment: The OTOGL c.977A>G variant is predicted to result in the amino acid substitution p.Tyr326Cys. To our knowledge, this variant has not been reported in the literature or in a large population database, indicating this variant is rare. At this time, the clinical significance of this variant is uncertain due to the absence of conclusive functional and genetic evidence.

NM_001378609.3(OTOGL):c.1004A>G (p.Tyr335Cys)

Gene: OTOGL (otogelin like; plus strand). Cytogenetic location: 12q21.31.
Variant type: single nucleotide variant.
Coding change: c.1004A>G on transcript NM_001378609.3 (MANE Select); coding-DNA position 1004, A replaced by G.
Protein change: p.Tyr335Cys; replaces tyrosine 335 with cysteine.
Molecular consequence: missense variant.
Genome position (GRCh38, 1-based): chr12:80,239,391, A>G. VCF-style: chr12-80239391-A-G. GRCh37 (hg19) VCF-style: chr12-80633171-A-G.
Other names: c.1004A>G, p.Tyr335Cys (NM_001368062.3, NM_001378610.3, NM_173591.7); short protein forms Y335C.
Identifiers: ClinVar variation 3048128 (VCV003048128.2), dbSNP rs2540976972, ClinGen allele CA385850402.